The following is an entry in ClinVar:

ClinVar aggregate classification (germline): Uncertain significance (1 of 4 stars; one submission).

Conditions:
Dihydropteridine reductase deficiency (HPABH4C). Also called: BH4-Deficient Hyperphenylalaninemia C; HYPERPHENYLALANINEMIA, TETRAHYDROBIOPTERIN-DEFICIENT, DUE TO DHPR DEFICIENCY; QDPR DEFICIENCY; QUINOID DIHYDROPTERIDINE REDUCTASE DEFICIENCY; Phenylketonuria II; Hyperphenylalaninemia due to dihydropteridine reductase deficiency. Identifiers: Orphanet 226, Orphanet 238583, MedGen C0268465, MONDO:0009862, OMIM 261630.

gnomAD v4.1: 3 of 1,614,062 alleles (0.00019%); highest among the groups gnomAD compares: Non-Finnish European, 0.00025%; no homozygotes.

Submission:

3billion
Classification: Uncertain significance for Dihydropteridine reductase deficiency. Last evaluated: 2024-07-31. Review status: criteria provided, single submitter. Criteria: ACMG Guidelines, 2015. Collection method: clinical testing. Allele origin: germline. Affected: yes.
Comment: The variant is observed at an extremely low frequency in the gnomAD v4.0.0 dataset (total allele frequency: <0.001%). Predicted Consequence/Location: Missense variant In silico tool predictions suggest damaging effect of the variant on gene or gene product [REVEL: 0.85 (>=0.6, sensitivity 0.68 and specificity 0.92); 3Cnet: 0.93 (>=0.6, sensitivity 0.72 and precision 0.9)]. Therefore, this variant is classified as VUS according to the recommendation of ACMG/AMP guideline.

NM_000320.3(QDPR):c.398C>A (p.Thr133Asn)

Gene: QDPR (quinoid dihydropteridine reductase; minus strand). Cytogenetic location: 4p15.32.
Variant type: single nucleotide variant.
Coding change: c.398C>A on transcript NM_000320.3 (MANE Select); coding-DNA position 398, C replaced by A.
Protein change: p.Thr133Asn; replaces threonine 133 with asparagine.
Molecular consequence: missense variant. On other transcripts: non-coding transcript variant (1).
Genome position (GRCh38, 1-based): chr4:17,501,757, G>T on the plus strand (C>A on the coding strand, the complement: QDPR is on the minus strand). VCF-style: chr4-17501757-G-T. GRCh37 (hg19) VCF-style: chr4-17503380-G-T.
Other names: c.305C>A, p.Thr102Asn (NM_001306140.2); short protein forms T102N, T133N.
Identifiers: ClinVar variation 4292398 (VCV004292398.1).